The following is an entry in ClinVar:

NM_002968.3(SALL1):c.986C>T (p.Thr329Ile)

Gene: SALL1 (spalt like transcription factor 1; minus strand). Cytogenetic location: 16q12.1.
Variant type: single nucleotide variant.
Coding change: c.986C>T on transcript NM_002968.3 (MANE Select); coding-DNA position 986, C replaced by T.
Protein change: p.Thr329Ile; replaces threonine 329 with isoleucine.
Molecular consequence: missense variant.
Genome position (GRCh38, 1-based): chr16:51,141,236, G>A on the plus strand (C>T on the coding strand, the complement: SALL1 is on the minus strand). VCF-style: chr16-51141236-G-A. GRCh37 (hg19) VCF-style: chr16-51175147-G-A.
Other names: c.695C>T, p.Thr232Ile (NM_001127892.2); short protein forms T329I, T232I.
Identifiers: ClinVar variation 285406 (VCV000285406.9), dbSNP rs886043094, ClinGen allele CA10605101.
Genomic context (GRCh38, chr16:51,141,236, plus strand): 5'-GTAACTGCCGCTGCCAATATGTTCATATTGGGAGAAGAGCCGCTGTTGGATGGAATGATG[G>A]TGTTGCCAGAACTGCTCTGAGGTAGCTGGATTGGGGGTAGCTGTTTCACACCACTAATGC-3'
Protein context (NP_002959.2, residues 319-339): IQLPQSSSGN[Thr329Ile]IIPSNSGSSP

ClinVar aggregate classification (germline): Uncertain significance. Review status: criteria provided, multiple submitters, no conflicts (2 of 4 stars). 3 submissions from 3 submitters: Uncertain significance (3). Last evaluated 2025-06-12.

Conditions:
Townes syndrome (TBS). Also called: Townes-Brocks syndrome. Identifiers: Orphanet 857, MedGen C0265246, MeSH C536974, MONDO:0007142.
Inborn genetic diseases. Identifiers: MedGen C0950123, MeSH D030342.

Allele frequency attached by ClinVar (database versions not stated): gnomAD exomes below 0.00001 and 0.00001; gnomAD 0.00004; TOPMed 0.00006.
gnomAD v4.1: 13 of 1,614,036 alleles (0.00081%); highest among the groups gnomAD compares: African/African-American, 0.013%; no homozygotes.

Submissions (3):

Labcorp Genetics (formerly Invitae), Labcorp
Classification: Uncertain significance for Townes syndrome. Last evaluated: 2025-06-12. Review status: criteria provided, single submitter. Criteria: Invitae Variant Classification Sherloc (09022015). Collection method: clinical testing. Allele origin: germline.
Comment: This sequence change replaces threonine, which is neutral and polar, with isoleucine, which is neutral and non-polar, at codon 329 of the SALL1 protein (p.Thr329Ile). The frequency data for this variant in the population databases is considered unreliable, as metrics indicate poor data quality at this position in the gnomAD database. This variant has not been reported in the literature in individuals affected with SALL1-related conditions. ClinVar contains an entry for this variant (Variation ID: 285406). Invitae Evidence Modeling of protein sequence and biophysical properties (such as structural, functional, and spatial information, amino acid conservation, physicochemical variation, residue mobility, and thermodynamic stability) indicates that this missense variant is not expected to disrupt SALL1 protein function with a negative predictive value of 80%. In summary, the available evidence is currently insufficient to determine the role of this variant in disease. Therefore, it has been classified as a Variant of Uncertain Significance.

Ambry Genetics
Classification: Uncertain significance for Inborn genetic diseases. Last evaluated: 2016-08-25. Review status: criteria provided, single submitter. Criteria: Ambry exome assertion method (8-5-2015). Collection method: clinical testing. Allele origin: germline. Affected: yes. Observed: 1 variant allele.

Eurofins Ntd Llc (ga)
Classification: Uncertain significance. Last evaluated: 2016-01-22. Review status: criteria provided, single submitter. Criteria: EGL Classification Definitions 2015. Collection method: clinical testing. Allele origin: germline. Observed: 1 variant allele, 1 heterozygote.